The following is an entry in ClinVar:

NM_182977.3(NNT):c.707G>T (p.Gly236Val)

Gene: NNT (nicotinamide nucleotide transhydrogenase; plus strand). Cytogenetic location: 5p12.
Variant type: single nucleotide variant.
Coding change: c.707G>T on transcript NM_182977.3 (MANE Select); coding-DNA position 707, G replaced by T.
Protein change: p.Gly236Val; replaces glycine 236 with valine.
Molecular consequence: missense variant.
Genome position (GRCh38, 1-based): chr5:43,624,051, G>T. VCF-style: chr5-43624051-G-T. GRCh37 (hg19) VCF-style: chr5-43624153-G-T.
Other names: c.314G>T, p.Gly105Val (NM_001331026.2); c.707G>T, p.Gly236Val (NM_012343.4); short protein forms G236V, G105V.
Identifiers: ClinVar variation 2027240 (VCV002027240.4), dbSNP rs2478364157, ClinGen allele CA359669217.

ClinVar aggregate classification (germline): Uncertain significance (1 of 4 stars; one submission).

Submission:

Labcorp Genetics (formerly Invitae), Labcorp
Classification: Uncertain significance. Last evaluated: 2022-08-26. Review status: criteria provided, single submitter. Criteria: Invitae Variant Classification Sherloc (09022015). Collection method: clinical testing. Allele origin: germline.
Comment: This sequence change replaces glycine, which is neutral and non-polar, with valine, which is neutral and non-polar, at codon 236 of the NNT protein (p.Gly236Val). This variant is not present in population databases (gnomAD no frequency). This missense change has been observed in individual(s) with clinical features of glucocorticoid deficiency (Invitae). In at least one individual the data is consistent with being in trans (on the opposite chromosome) from a pathogenic variant. Algorithms developed to predict the effect of missense changes on protein structure and function are either unavailable or do not agree on the potential impact of this missense change (SIFT: "Deleterious"; PolyPhen-2: "Probably Damaging"; Align-GVGD: "Class C0"). In summary, the available evidence is currently insufficient to determine the role of this variant in disease. Therefore, it has been classified as a Variant of Uncertain Significance.